The following is an entry in ClinVar:

ClinVar aggregate classification (germline): Likely benign. Review status: criteria provided, multiple submitters, no conflicts (2 of 4 stars). 2 submissions from 2 submitters: Likely benign (2). Last evaluated 2026-01-19.

Allele frequency attached by ClinVar (database versions not stated): TOPMed 0.00006; ExAC 0.00008; gnomAD 0.00009; gnomAD exomes 0.00009 and 0.00012.

Submissions (2):

Labcorp Genetics (formerly Invitae), Labcorp
Classification: Likely benign. Last evaluated: 2026-01-19. Review status: criteria provided, single submitter. Criteria: Invitae Variant Classification Sherloc (09022015). Collection method: clinical testing. Allele origin: germline.

CeGaT Center for Human Genetics Tuebingen
Classification: Likely benign. Last evaluated: 2024-07-01. Review status: criteria provided, single submitter. Criteria: CeGaT Center For Human Genetics Tuebingen Variant Classification Criteria Version 2. Collection method: clinical testing. Allele origin: germline. Affected: yes. Observed: 4 variant alleles.
Comment: SON: BP4, BP7

NM_138927.4(SON):c.1329G>A (p.Val443=)

Gene: SON (SON DNA and RNA binding protein; plus strand). Cytogenetic location: 21q22.11.
Variant type: single nucleotide variant.
Coding change: c.1329G>A on transcript NM_138927.4 (MANE Select); coding-DNA position 1329, G replaced by A.
Protein change: p.Val443=; no amino-acid change (valine 443 retained).
Molecular consequence: synonymous variant. On other transcripts: non-coding transcript variant (1), intron variant (1).
Genome position (GRCh38, 1-based): chr21:33,550,560, G>A. VCF-style: chr21-33550560-G-A. GRCh37 (hg19) VCF-style: chr21-34922866-G-A.
Other names: c.1329G>A, p.Val443= (NM_001291411.2, NM_032195.3); c.244+4181G>A (NM_001291412.3).
Identifiers: ClinVar variation 1603057 (VCV001603057.39), dbSNP rs767559708, ClinGen allele CA10008875.